The following is an entry in ClinVar:

NM_001375524.1(TRRAP):c.1506T>A (p.Pro502=)

Gene: TRRAP (transformation/transcription domain associated protein; plus strand). Cytogenetic location: 7q22.1.
Variant type: single nucleotide variant.
Coding change: c.1506T>A on transcript NM_001375524.1 (MANE Select); coding-DNA position 1506, T replaced by A.
Protein change: p.Pro502=; no amino-acid change (proline 502 retained).
Molecular consequence: synonymous variant.
Genome position (GRCh38, 1-based): chr7:98,910,211, T>A. VCF-style: chr7-98910211-T-A. GRCh37 (hg19) VCF-style: chr7-98507834-T-A.
Other names: c.1506T>A, p.Pro502= (NM_001244580.2, NM_003496.4).
Identifiers: ClinVar variation 3050107 (VCV003050107.2), dbSNP rs1214686697, ClinGen allele CA456871309.

ClinVar aggregate classification (germline): Likely benign (0 of 4 stars; one submission).

Conditions:
TRRAP-related disorder. Also called: TRRAP-related condition.

Submission:

PreventionGenetics, part of Exact Sciences
Classification: Likely benign for TRRAP-related condition. Last evaluated: 2020-05-22. Review status: no assertion criteria provided. Collection method: clinical testing. Allele origin: germline.
Comment: This variant is classified as likely benign based on ACMG/AMP sequence variant interpretation guidelines (Richards et al. 2015 PMID: 25741868, with internal and published modifications).